The following is an entry in ClinVar:

NM_000264.5(PTCH1):c.628A>T (p.Ile210Phe)

Gene: PTCH1 (patched 1; minus strand). Cytogenetic location: 9q22.32.
Variant type: single nucleotide variant.
Coding change: c.628A>T on transcript NM_000264.5 (MANE Select); coding-DNA position 628, A replaced by T.
Protein change: p.Ile210Phe; replaces isoleucine 210 with phenylalanine.
Molecular consequence: missense variant. On other transcripts: non-coding transcript variant (1).
Genome position (GRCh38, 1-based): chr9:95,482,160, T>A on the plus strand (A>T on the coding strand, the complement: PTCH1 is on the minus strand). VCF-style: chr9-95482160-T-A. GRCh37 (hg19) VCF-style: chr9-98244442-T-A.
Other names: c.175A>T, p.Ile59Phe (NM_001083604.3, NM_001083605.3, NM_001083606.3 and 1 more transcripts); c.628A>T, p.Ile210Phe (NM_001354918.2); c.430A>T, p.Ile144Phe (NM_001354919.2, NM_001083602.3); c.625A>T, p.Ile209Phe (NM_001083603.3); short protein forms I144F, I209F, I210F, I59F.
Identifiers: ClinVar variation 1026821 (VCV001026821.9), dbSNP rs1588614551, ClinGen allele CA374115066.

ClinVar aggregate classification (germline): Uncertain significance (1 of 4 stars; one submission).

Conditions:
Gorlin syndrome. Also called: Nevoid Basal Cell Carcinoma Syndrome; Basal cell nevus syndrome. Identifiers: Orphanet 377, MedGen C0004779, MONDO:0007187.

Submission:

Labcorp Genetics (formerly Invitae), Labcorp
Classification: Uncertain significance for Gorlin syndrome. Last evaluated: 2021-12-21. Review status: criteria provided, single submitter. Criteria: Invitae Variant Classification Sherloc (09022015). Collection method: clinical testing. Allele origin: germline.
Comment: In summary, the available evidence is currently insufficient to determine the role of this variant in disease. Therefore, it has been classified as a Variant of Uncertain Significance. Advanced modeling of protein sequence and biophysical properties (such as structural, functional, and spatial information, amino acid conservation, physicochemical variation, residue mobility, and thermodynamic stability) performed at Invitae indicates that this missense variant is not expected to disrupt PTCH1 protein function. ClinVar contains an entry for this variant (Variation ID: 1026821). This variant has not been reported in the literature in individuals affected with PTCH1-related conditions. This variant is not present in population databases (gnomAD no frequency). This sequence change replaces isoleucine, which is neutral and non-polar, with phenylalanine, which is neutral and non-polar, at codon 210 of the PTCH1 protein (p.Ile210Phe).